The following is an entry in ClinVar:

ClinVar aggregate classification (germline): Likely benign. Review status: criteria provided, single submitter (1 of 4 stars). 2 submissions from 2 submitters: Likely benign (1). 1 of the submissions does not count toward it. Last evaluated 2025-11-10.

Conditions:
TTLL5-related disorder. Also called: TTLL5-related condition.

Allele frequency attached by ClinVar (database versions not stated): gnomAD 0.00005 and 0.00006; ESP Exome Variant Server 0.00008.
gnomAD v4.1: 96 of 1,613,830 alleles (0.0059%); highest among the groups gnomAD compares: Admixed American, 0.0067%; no homozygotes.

Submissions (2):

Labcorp Genetics (formerly Invitae), Labcorp
Classification: Likely benign. Last evaluated: 2025-11-10. Review status: criteria provided, single submitter. Criteria: Invitae Variant Classification Sherloc (09022015). Collection method: clinical testing. Allele origin: germline.

PreventionGenetics, part of Exact Sciences
Classification: Likely benign for TTLL5-related condition. Last evaluated: 2019-03-06. Review status: no assertion criteria provided. Collection method: clinical testing. Allele origin: germline. Not counted in ClinVar's aggregate classification.
Comment: This variant is classified as likely benign based on ACMG/AMP sequence variant interpretation guidelines (Richards et al. 2015 PMID: 25741868, with internal and published modifications).

NM_015072.5(TTLL5):c.1281+9A>G

Gene: TTLL5 (tubulin tyrosine ligase like 5; plus strand). Cytogenetic location: 14q24.3.
Variant type: single nucleotide variant.
Coding change: c.1281+9A>G on transcript NM_015072.5 (MANE Select); 9 bases into the intron after coding-DNA position 1281, A replaced by G.
Molecular consequence: intron variant.
Genome position (GRCh38, 1-based): chr14:75,735,298, A>G. VCF-style: chr14-75735298-A-G. GRCh37 (hg19) VCF-style: chr14-76201641-A-G.
Other names: c.1281+9A>G (NM_015072.4).
Identifiers: ClinVar variation 1090084 (VCV001090084.11), dbSNP rs374428308, ClinGen allele CA7279310.